The following is an entry in ClinVar:

NM_000179.3(MSH6):c.2996C>T (p.Thr999Ile)

Gene: MSH6 (mutS homolog 6; plus strand). Cytogenetic location: 2p16.3.
Variant type: single nucleotide variant.
Coding change: c.2996C>T on transcript NM_000179.3 (MANE Select); coding-DNA position 2996, C replaced by T.
Protein change: p.Thr999Ile; replaces threonine 999 with isoleucine.
Molecular consequence: missense variant. On other transcripts: non-coding transcript variant (5), intron variant (2).
Genome position (GRCh38, 1-based): chr2:47,800,979, C>T. VCF-style: chr2-47800979-C-T. GRCh37 (hg19) VCF-style: chr2-48028118-C-T.
Other names: c.2606C>T, p.Thr869Ile (NM_001281492.2); c.2090C>T, p.Thr697Ile (NM_001281493.2, NM_001281494.2, NM_001406811.1 and 6 more transcripts); c.3092C>T, p.Thr1031Ile (NM_001406795.1, NM_001406802.1); c.2996C>T, p.Thr999Ile (NM_001406796.1, NM_001406798.1, NM_001406800.1 and 2 more transcripts); c.2699C>T, p.Thr900Ile (NM_001406797.1, NM_001406801.1, NM_001406805.1 and 10 more transcripts); c.2471C>T, p.Thr824Ile (NM_001406799.1, NM_001406806.1, NM_001406807.1); c.2918C>T, p.Thr973Ile (NM_001406804.1); c.2828C>T, p.Thr943Ile (NM_001406826.1); and 4 more; short protein forms T314I, T824I, T973I, T999I, T1001I, T943I, T1031I, T900I.
Identifiers: ClinVar variation 2772303 (VCV002772303.4), dbSNP rs1064794488, ClinGen allele CA346756390.
Genomic context (GRCh38, chr2:47,800,979, plus strand): 5'-TGGAAATTCCTGAGAATTTCACCACTCGCAATTTGCCAGAAGAATACGAGTTGAAATCTA[C>T]CAAGAAGGGCTGTAAACGATACTGGACCAAAACTATTGAAAAGAAGTTGGCTAATCTCAT-3'
Protein context (NP_000170.1, residues 989-1009): NLPEEYELKS[Thr999Ile]KKGCKRYWTK

ClinVar aggregate classification (germline): Uncertain significance. Review status: criteria provided, multiple submitters, no conflicts (2 of 4 stars). 2 submissions from 2 submitters: Uncertain significance (2). Last evaluated 2026-02-22.

Conditions:
Hereditary nonpolyposis colorectal neoplasms. Identifiers: MedGen C0009405, MeSH D003123.
Hereditary cancer-predisposing syndrome. Also called: Tumor predisposition; Hereditary Cancer Syndrome; Hereditary neoplastic syndrome; Neoplastic Syndromes, Hereditary. Identifiers: Orphanet 140162, MedGen C0027672, MeSH D009386, MONDO:0015356.

Allele frequency attached by ClinVar (database versions not stated): gnomAD exomes below 0.00001.
gnomAD v4.1: 1 of 1,559,884 alleles (0.000064%); highest among the groups gnomAD compares: Non-Finnish European, 0.000087%; no homozygotes.

Submissions (2):

Ambry Genetics
Classification: Uncertain significance for Hereditary cancer-predisposing syndrome. Last evaluated: 2026-02-22. Review status: criteria provided, single submitter. Criteria: Ambry Variant Classification Scheme 2023. Collection method: clinical testing. Allele origin: germline.
Comment: The p.T999I variant (also known as c.2996C>T), located in coding exon 4 of the MSH6 gene, results from a C to T substitution at nucleotide position 2996. The threonine at codon 999 is replaced by isoleucine, an amino acid with similar properties. This amino acid position is conserved. In addition, this alteration is predicted to be deleterious by in silico analysis. Based on the available evidence, the clinical significance of this variant remains unclear.

Labcorp Genetics (formerly Invitae), Labcorp
Classification: Uncertain significance for Hereditary nonpolyposis colorectal neoplasms. Last evaluated: 2023-10-28. Review status: criteria provided, single submitter. Criteria: Invitae Variant Classification Sherloc (09022015). Collection method: clinical testing. Allele origin: germline.
Comment: This sequence change replaces threonine, which is neutral and polar, with isoleucine, which is neutral and non-polar, at codon 999 of the MSH6 protein (p.Thr999Ile). This variant is not present in population databases (gnomAD no frequency). This variant has not been reported in the literature in individuals affected with MSH6-related conditions. Advanced modeling of protein sequence and biophysical properties (such as structural, functional, and spatial information, amino acid conservation, physicochemical variation, residue mobility, and thermodynamic stability) performed at Invitae indicates that this missense variant is not expected to disrupt MSH6 protein function with a negative predictive value of 95%. In summary, the available evidence is currently insufficient to determine the role of this variant in disease. Therefore, it has been classified as a Variant of Uncertain Significance.